The following is an entry in ClinVar:

NM_173660.5(DOK7):c.1373C>T (p.Ala458Val)

Gene: DOK7 (docking protein 7; plus strand). Cytogenetic location: 4p16.3.
Variant type: single nucleotide variant.
Coding change: c.1373C>T on transcript NM_173660.5 (MANE Select); coding-DNA position 1373, C replaced by T.
Protein change: p.Ala458Val; replaces alanine 458 with valine.
Molecular consequence: missense variant. On other transcripts: 3 prime UTR variant (1).
Genome position (GRCh38, 1-based): chr4:3,493,359, C>T. VCF-style: chr4-3493359-C-T. GRCh37 (hg19) VCF-style: chr4-3495086-C-T.
Other names: c.*594C>T (NM_001164673.2); c.443C>T, p.Ala148Val (NM_001256896.2); c.1373C>T, p.Ala458Val (NM_001301071.2); c.941C>T, p.Ala314Val (NM_001363811.2); short protein forms A148V, A314V, A458V.
Identifiers: ClinVar variation 1310599 (VCV001310599.2), dbSNP rs778440478, ClinGen allele CA356117850.

ClinVar aggregate classification (germline): Uncertain significance (1 of 4 stars; one submission).

gnomAD v4.1: 2 of 1,596,510 alleles (0.00013%); highest among the groups gnomAD compares: South Asian, 0.0011%; no homozygotes.

Submission:

GeneDx
Classification: Uncertain significance. Last evaluated: 2019-11-29. Review status: criteria provided, single submitter. Criteria: GeneDx Variant Classification Process June 2021. Collection method: clinical testing. Allele origin: germline. Affected: yes.
Comment: Has not been previously published as pathogenic or benign to our knowledge; Not observed at a significant frequency in large population cohorts (Lek et al., 2016); In silico analysis, which includes protein predictors and evolutionary conservation, supports that this variant does not alter protein structure/function